The following is an entry in ClinVar:

ClinVar aggregate classification (germline): Pathogenic (1 of 4 stars; one submission).

Submission:

GeneDx
Classification: Pathogenic. Last evaluated: 2024-03-10. Review status: criteria provided, single submitter. Criteria: GeneDx Variant Classification Process June 2021. Collection method: clinical testing. Allele origin: germline. Affected: yes.
Comment: Nonsense variant predicted to result in protein truncation or nonsense mediated decay in a gene for which loss of function is a known mechanism of disease; Not observed at significant frequency in large population cohorts (gnomAD); This variant is associated with the following publications: (PMID: 22461308)

NM_017780.4(CHD7):c.995T>G (p.Leu332Ter)

Gene: CHD7 (chromodomain helicase DNA binding protein 7; plus strand). Cytogenetic location: 8q12.2.
Variant type: single nucleotide variant.
Coding change: c.995T>G on transcript NM_017780.4 (MANE Select); coding-DNA position 995, T replaced by G.
Protein change: p.Leu332Ter; replaces leucine 332 with a stop codon.
Molecular consequence: nonsense.
Genome position (GRCh38, 1-based): chr8:60,742,427, T>G. VCF-style: chr8-60742427-T-G. GRCh37 (hg19) VCF-style: chr8-61654986-T-G.
Other names: c.995T>G, p.Leu332Ter (NM_001316690.1); short protein forms L332*.
Identifiers: ClinVar variation 3340187 (VCV003340187.1).